The following is an entry in ClinVar:

ClinVar aggregate classification (germline): Conflicting classifications of pathogenicity. Review status: criteria provided, conflicting classifications (1 of 4 stars). 5 submissions from 5 submitters: Uncertain significance (4); Benign (1). Last evaluated 2025-05-16.

Conditions:
RB1-related disorder. Also called: RB1-related condition.
Hereditary cancer-predisposing syndrome. Also called: Hereditary neoplastic syndrome; Neoplastic Syndromes, Hereditary; Tumor predisposition; Hereditary Cancer Syndrome. Identifiers: Orphanet 140162, MedGen C0027672, MeSH D009386, MONDO:0015356.
Retinoblastoma (RB1). Also called: RETINOBLASTOMA, SOMATIC. Identifiers: Orphanet 790, MedGen C0035335, MeSH D012175, MONDO:0008380, OMIM 180200, HP:0009919. Disease mechanism: loss of function. Inheritance: Both sporadic and heritable forms are tested..

Allele frequency attached by ClinVar (database versions not stated): gnomAD exomes below 0.00001 and 0.00003; TOPMed below 0.00001.
gnomAD v4.1: 49 of 1,613,810 alleles (0.003%); highest among the groups gnomAD compares: Non-Finnish European, 0.004%; no homozygotes.

Submissions (5):

Labcorp Genetics (formerly Invitae), Labcorp
Classification: Benign for Retinoblastoma. Last evaluated: 2025-05-16. Review status: criteria provided, single submitter. Criteria: Invitae Variant Classification Sherloc (09022015). Collection method: clinical testing. Allele origin: germline.

Ambry Genetics
Classification: Uncertain significance for Hereditary cancer-predisposing syndrome. Last evaluated: 2024-08-12. Review status: criteria provided, single submitter. Criteria: Ambry Variant Classification Scheme 2023. Collection method: clinical testing. Allele origin: germline.
Comment: The p.N247D variant (also known as c.739A>G), located in coding exon 8 of the RB1 gene, results from an A to G substitution at nucleotide position 739. The asparagine at codon 247 is replaced by aspartic acid, an amino acid with highly similar properties. This amino acid position is conserved. In addition, this alteration is predicted to be tolerated by in silico analysis. Since supporting evidence is limited at this time, the clinical significance of this alteration remains unclear.

All of Us Research Program, National Institutes of Health
Classification: Uncertain significance for Retinoblastoma. Last evaluated: 2024-07-29. Review status: criteria provided, single submitter. Criteria: ACMG Guidelines, 2015. Collection method: clinical testing. Allele origin: germline. Inheritance: Autosomal dominant inheritance. Observed: 3 variant alleles, 3 heterozygotes.
Comment: This missense variant replaces asparagine with aspartic acid at codon 247 of the RB1 protein. Computational prediction suggests that this variant may not impact protein structure and function (internally defined REVEL score threshold <= 0.5, PMID: 27666373). To our knowledge, functional studies have not been reported for this variant. This variant has not been reported in individuals affected with RB1-related disorders in the literature. This variant has been identified in 1/251164 chromosomes in the general population by the Genome Aggregation Database (gnomAD). The available evidence is insufficient to determine the role of this variant in disease conclusively. Therefore, this variant is classified as a Variant of Uncertain Significance.

This study involves interpretation of variants in research participants for the purpose of population health screening. Participant phenotype was not available at the time of variant classification. Additional details can be found in publication PMID: 35346344, PMCID: PMC8962531

Color Diagnostics, LLC DBA Color Health
Classification: Uncertain significance for Retinoblastoma. Last evaluated: 2024-07-19. Review status: criteria provided, single submitter. Criteria: ACMG Guidelines, 2015. Collection method: clinical testing. Allele origin: germline.
Comment: This missense variant replaces asparagine with aspartic acid at codon 247 of the RB1 protein. Computational prediction suggests that this variant may not impact protein structure and function. To our knowledge, functional studies have not been reported for this variant. This variant has not been reported in individuals affected with RB1-related disorders in the literature. This variant has been identified in 1/251164 chromosomes in the general population by the Genome Aggregation Database (gnomAD). The available evidence is insufficient to determine the role of this variant in disease conclusively. Therefore, this variant is classified as a Variant of Uncertain Significance.

PreventionGenetics, part of Exact Sciences
Classification: Uncertain significance for RB1-related condition. Last evaluated: 2023-07-11. Review status: criteria provided, single submitter. Criteria: ACMG Guidelines, 2015. Collection method: clinical testing. Allele origin: germline.
Comment: The RB1 c.739A>G variant is predicted to result in the amino acid substitution p.Asn247Asp. To our knowledge, this variant has not been reported in the literature. This variant is reported in 0.00088% of alleles in individuals of European (Non-Finnish) descent in gnomAD and has been interpreted in ClinVar as uncertain. At this time, the clinical significance of this variant is uncertain due to the absence of conclusive functional and genetic evidence.

NM_000321.3(RB1):c.739A>G (p.Asn247Asp)

Gene: RB1 (RB transcriptional corepressor 1; plus strand). Cytogenetic location: 13q14.2.
Variant type: single nucleotide variant.
Coding change: c.739A>G on transcript NM_000321.3 (MANE Select); coding-DNA position 739, A replaced by G.
Protein change: p.Asn247Asp; replaces asparagine 247 with aspartic acid.
Molecular consequence: missense variant.
Genome position (GRCh38, 1-based): chr13:48,362,835, A>G. VCF-style: chr13-48362835-A-G. GRCh37 (hg19) VCF-style: chr13-48936971-A-G.
Other names: short protein forms N247D.
Identifiers: ClinVar variation 1006053 (VCV001006053.16), dbSNP rs1429451823, ClinGen allele CA388159280.